The following is an entry in ClinVar:

NM_181507.2(HPS5):c.2275G>T (p.Gly759Ter)

Gene: HPS5 (HPS5 biogenesis of lysosomal organelles complex 2 subunit 2; minus strand). Cytogenetic location: 11p15.1.
Variant type: single nucleotide variant.
Coding change: c.2275G>T on transcript NM_181507.2 (MANE Select); coding-DNA position 2275, G replaced by T.
Protein change: p.Gly759Ter; replaces glycine 759 with a stop codon.
Molecular consequence: nonsense.
Genome position (GRCh38, 1-based): chr11:18,291,607, C>A on the plus strand (G>T on the coding strand, the complement: HPS5 is on the minus strand). VCF-style: chr11-18291607-C-A. GRCh37 (hg19) VCF-style: chr11-18313154-C-A.
Other names: c.1933G>T, p.Gly645Ter (NM_007216.4, NM_181508.2); short protein forms G645*, G759*.
Identifiers: ClinVar variation 3374732 (VCV003374732.1).

ClinVar aggregate classification (germline): Pathogenic (0 of 4 stars; one submission).

Conditions:
Hermansky-Pudlak syndrome 5 (HPS5). Identifiers: Orphanet 231512, Orphanet 79430, MedGen C3888004, MONDO:0013557, OMIM 614074.

gnomAD v4.1: 1 of 1,614,098 alleles (0.000062%); highest among the groups gnomAD compares: East Asian, 0.0022%; no homozygotes.

Submission:

Department of Dermatology, Faculty of Medicine, Yamagata University
Classification: Pathogenic for Hermansky-Pudlak syndrome 5. Last evaluated: 2024-03-12. Review status: no assertion criteria provided. Collection method: clinical testing. Allele origin: germline. Inheritance: Autosomal recessive inheritance. Affected: yes. Observed: 2 variant alleles, 2 compound heterozygotes.
Comment: The c.2275G>T variant is a nonsense variant predicted to result in a truncated protein (p.(Gly759Ter)). RT-qPCR analysis of RNA from a carrier of this variant (the patient's father) showed that HPS5 mRNA expression levels were approximately 60% of those in healthy individuals, likely due to nonsense-mediated decay.